The following is an entry in ClinVar:

ClinVar aggregate classification (germline): Uncertain significance (1 of 4 stars; one submission).

Allele frequency attached by ClinVar (database versions not stated): TOPMed below 0.00001; gnomAD exomes 0.00001; gnomAD 0.00002.

Submission:

Labcorp Genetics (formerly Invitae), Labcorp
Classification: Uncertain significance. Last evaluated: 2022-03-12. Review status: criteria provided, single submitter. Criteria: Invitae Variant Classification Sherloc (09022015). Collection method: clinical testing. Allele origin: germline.
Comment: This variant is present in population databases (rs752878350, gnomAD 0.003%). In summary, the available evidence is currently insufficient to determine the role of this variant in disease. Therefore, it has been classified as a Variant of Uncertain Significance. Algorithms developed to predict the effect of missense changes on protein structure and function are either unavailable or do not agree on the potential impact of this missense change (SIFT: "Deleterious"; PolyPhen-2: "Probably Damaging"; Align-GVGD: "Class C15"). This variant has not been reported in the literature in individuals affected with PTH1R-related conditions. This sequence change replaces leucine, which is neutral and non-polar, with phenylalanine, which is neutral and non-polar, at codon 377 of the PTH1R protein (p.Leu377Phe).

NM_000316.3(PTH1R):c.1129C>T (p.Leu377Phe)

Gene: PTH1R (parathyroid hormone 1 receptor; plus strand). Cytogenetic location: 3p21.31.
Variant type: single nucleotide variant.
Coding change: c.1129C>T on transcript NM_000316.3 (MANE Select); coding-DNA position 1129, C replaced by T.
Protein change: p.Leu377Phe; replaces leucine 377 with phenylalanine.
Molecular consequence: missense variant.
Genome position (GRCh38, 1-based): chr3:46,901,778, C>T. VCF-style: chr3-46901778-C-T. GRCh37 (hg19) VCF-style: chr3-46943268-C-T.
Other names: c.1129C>T, p.Leu377Phe (NM_001184744.1); short protein forms L377F.
Identifiers: ClinVar variation 2094860 (VCV002094860.4), dbSNP rs752878350, ClinGen allele CA73771784.